The following is an entry in ClinVar:

ClinVar aggregate classification (germline): Uncertain significance (1 of 4 stars; one submission).

Allele frequency attached by ClinVar (database versions not stated): gnomAD 0.00001.
gnomAD v4.1: 8 of 1,613,264 alleles (0.0005%); highest among the groups gnomAD compares: South Asian, 0.0066%; no homozygotes.

Submission:

Labcorp Genetics (formerly Invitae), Labcorp
Classification: Uncertain significance. Last evaluated: 2024-02-24. Review status: criteria provided, single submitter. Criteria: Invitae Variant Classification Sherloc (09022015). Collection method: clinical testing. Allele origin: germline.
Comment: This sequence change replaces valine, which is neutral and non-polar, with phenylalanine, which is neutral and non-polar, at codon 13 of the MYO5B protein (p.Val13Phe). This variant is present in population databases (rs556931697, gnomAD 0.01%). This variant has not been reported in the literature in individuals affected with MYO5B-related conditions. ClinVar contains an entry for this variant (Variation ID: 1912841). Advanced modeling of protein sequence and biophysical properties (such as structural, functional, and spatial information, amino acid conservation, physicochemical variation, residue mobility, and thermodynamic stability) performed at Invitae indicates that this missense variant is expected to disrupt MYO5B protein function with a positive predictive value of 80%. In summary, the available evidence is currently insufficient to determine the role of this variant in disease. Therefore, it has been classified as a Variant of Uncertain Significance.

NM_001080467.3(MYO5B):c.37G>T (p.Val13Phe)

Gene: MYO5B (myosin VB; minus strand). Cytogenetic location: 18q21.1.
Variant type: single nucleotide variant.
Coding change: c.37G>T on transcript NM_001080467.3 (MANE Select); coding-DNA position 37, G replaced by T.
Protein change: p.Val13Phe; replaces valine 13 with phenylalanine.
Molecular consequence: missense variant.
Genome position (GRCh38, 1-based): chr18:50,055,369, C>A on the plus strand (G>T on the coding strand, the complement: MYO5B is on the minus strand). VCF-style: chr18-50055369-C-A. GRCh37 (hg19) VCF-style: chr18-47581739-C-A.
Other names: short protein forms V13F.
Identifiers: ClinVar variation 1912841 (VCV001912841.5), dbSNP rs556931697, ClinGen allele CA300409349.